The following is an entry in ClinVar:

NM_001134831.2(AHI1):c.3581dup (p.Ile1195fs)

Gene: AHI1 (Abelson helper integration site 1; minus strand). Cytogenetic location: 6q23.3.
Variant type: Duplication.
Coding change: c.3581dup on transcript NM_001134831.2 (MANE Select); coding-DNA position 3581, one base duplicated (T; older notation c.3581dupT).
Protein change: p.Ile1195fs; shifts the reading frame from isoleucine 1195.
Molecular consequence: frameshift variant. On other transcripts: intron variant (1).
Genome position (GRCh38, 1-based): chr6:135,290,430, A duplicated on the plus strand (T on the coding strand, the reverse complement: AHI1 is on the minus strand). VCF-style (leftmost placement, unchanged base first): chr6-135290429-T-TA. GRCh37 (hg19) VCF-style: chr6-135611567-T-TA.
Other names: c.3581dup, p.Ile1195fs (NM_001134830.2, NM_001350503.2, NM_017651.5); c.3486-4783dup (NM_001350504.2); short protein forms I1195fs.
Identifiers: ClinVar variation 4886251 (VCV004886251.2).

ClinVar aggregate classification (germline): Uncertain significance (1 of 4 stars; one submission).

Submission:

Dasa
Classification: Uncertain significance. Last evaluated: 2026-03-02. Review status: criteria provided, single submitter. Criteria: DASA Assertion Criteria. Collection method: clinical testing. Allele origin: germline.
Comment: NM_001134831.2(AHI1):c.3581dup (p.Ile1195Asnfs*6) is a frameshift variant in AHI1 predicted to alter the reading frame and introduce a premature termination codon. This variant is rare in population databases. The currently available literature and clinical evidence are not sufficient to establish a definitive association between this variant and the reported condition. Therefore, this variant is classified as a variant of uncertain significance.